The following is an entry in ClinVar:

ClinVar aggregate classification (germline): Uncertain significance (1 of 4 stars; one submission).

Submission:

Labcorp Genetics (formerly Invitae), Labcorp
Classification: Uncertain significance. Last evaluated: 2024-02-08. Review status: criteria provided, single submitter. Criteria: Invitae Variant Classification Sherloc (09022015). Collection method: clinical testing. Allele origin: germline.
Comment: This sequence change replaces leucine, which is neutral and non-polar, with serine, which is neutral and polar, at codon 193 of the ITM2B protein (p.Leu193Ser). This variant is present in population databases (rs747013966, gnomAD no frequency). This variant has not been reported in the literature in individuals affected with ITM2B-related conditions. Advanced modeling of protein sequence and biophysical properties (such as structural, functional, and spatial information, amino acid conservation, physicochemical variation, residue mobility, and thermodynamic stability) performed at Invitae indicates that this missense variant is not expected to disrupt ITM2B protein function with a negative predictive value of 80%. In summary, the available evidence is currently insufficient to determine the role of this variant in disease. Therefore, it has been classified as a Variant of Uncertain Significance.

NM_021999.5(ITM2B):c.578T>C (p.Leu193Ser)

Gene: ITM2B (integral membrane protein 2B; plus strand). Cytogenetic location: 13q14.2.
Variant type: single nucleotide variant.
Coding change: c.578T>C on transcript NM_021999.5 (MANE Select); coding-DNA position 578, T replaced by C.
Protein change: p.Leu193Ser; replaces leucine 193 with serine.
Molecular consequence: missense variant.
Genome position (GRCh38, 1-based): chr13:48,258,810, T>C. VCF-style: chr13-48258810-T-C. GRCh37 (hg19) VCF-style: chr13-48832946-T-C.
Other names: short protein forms L193S.
Identifiers: ClinVar variation 3639562 (VCV003639562.2).